The following is an entry in ClinVar:

ClinVar aggregate classification (germline): Uncertain significance. Review status: criteria provided, multiple submitters, no conflicts (2 of 4 stars). 2 submissions from 2 submitters: Uncertain significance (2). Last evaluated 2025-04-01.

Conditions:
Holoprosencephaly 9 (HPE9). Also called: PITUITARY ANOMALIES WITH HOLOPROSENCEPHALY-LIKE FEATURES; HOLOPROSENCEPHALY WITH MICROPHTHALMIA AND FIRST BRANCHIAL ARCH ANOMALIES. Identifiers: Orphanet 2162, MedGen C1835819, MONDO:0012563, OMIM 610829.
Postaxial polydactyly-anterior pituitary anomalies-facial dysmorphism syndrome. Also called: Culler-Jones syndrome. Identifiers: Orphanet 420584, MedGen C4014479, MONDO:0014369, OMIM 615849.
Inborn genetic diseases. Identifiers: MedGen C0950123, MeSH D030342.

gnomAD v4.1: 34 of 1,612,982 alleles (0.0021%); highest among the groups gnomAD compares: Non-Finnish European, 0.0027%; no homozygotes.

Submissions (2):

Ambry Genetics
Classification: Uncertain significance for Inborn genetic diseases. Last evaluated: 2025-04-01. Review status: criteria provided, single submitter. Criteria: Ambry Variant Classification Scheme 2023. Collection method: clinical testing. Allele origin: germline.

Labcorp Genetics (formerly Invitae), Labcorp
Classification: Uncertain significance for Postaxial polydactyly-anterior pituitary anomalies-facial dysmorphism syndrome; Holoprosencephaly 9. Last evaluated: 2024-05-31. Review status: criteria provided, single submitter. Criteria: Invitae Variant Classification Sherloc (09022015). Collection method: clinical testing. Allele origin: germline.
Comment: This sequence change replaces alanine, which is neutral and non-polar, with threonine, which is neutral and polar, at codon 1179 of the GLI2 protein (p.Ala1179Thr). This variant is present in population databases (rs758020307, gnomAD 0.004%). This variant has not been reported in the literature in individuals affected with GLI2-related conditions. Advanced modeling of protein sequence and biophysical properties (such as structural, functional, and spatial information, amino acid conservation, physicochemical variation, residue mobility, and thermodynamic stability) performed at Invitae indicates that this missense variant is not expected to disrupt GLI2 protein function with a negative predictive value of 80%. In summary, the available evidence is currently insufficient to determine the role of this variant in disease. Therefore, it has been classified as a Variant of Uncertain Significance.

NM_001374353.1(GLI2):c.3484G>A (p.Ala1162Thr)

Gene: GLI2 (GLI family zinc finger 2; plus strand). Cytogenetic location: 2q14.2.
Variant type: single nucleotide variant.
Coding change: c.3484G>A on transcript NM_001374353.1 (MANE Select); coding-DNA position 3484, G replaced by A.
Protein change: p.Ala1162Thr; replaces alanine 1162 with threonine.
Molecular consequence: missense variant.
Genome position (GRCh38, 1-based): chr2:120,989,449, G>A. VCF-style: chr2-120989449-G-A. GRCh37 (hg19) VCF-style: chr2-121747025-G-A.
Other names: c.3535G>A, p.Ala1179Thr (NM_001371271.1, NM_005270.5); c.3109G>A, p.Ala1037Thr (NM_001374354.1); c.3535G>A (NM_005270.4); short protein forms A1037T, A1162T, A1179T.
Identifiers: ClinVar variation 3758732 (VCV003758732.3).